The following is an entry in ClinVar:

ClinVar aggregate classification (germline): Pathogenic (1 of 4 stars; one submission).

Conditions:
Von Hippel-Lindau syndrome (VHLS). Also called: Von Hippel-Lindau; von Hippel–Lindau syndrome; VHL syndrome. Identifiers: Orphanet 892, MedGen C0019562, MONDO:0008667, OMIM 193300. Disease mechanism: loss of function.
Chuvash polycythemia. Also called: POLYCYTHEMIA, VHL-DEPENDENT. Identifiers: Orphanet 238557, MedGen C1837915, MONDO:0009892, OMIM 263400.

Submission:

Labcorp Genetics (formerly Invitae), Labcorp
Classification: Pathogenic for Von Hippel-Lindau syndrome; Chuvash polycythemia. Last evaluated: 2023-12-31. Review status: criteria provided, single submitter. Criteria: Invitae Variant Classification Sherloc (09022015). Collection method: clinical testing. Allele origin: germline.
Comment: This sequence change creates a premature translational stop signal (p.His125Metfs*33) in the VHL gene. While this is not anticipated to result in nonsense mediated decay, it is expected to disrupt the last 89 amino acid(s) of the VHL protein. This variant is not present in population databases (gnomAD no frequency). This variant has not been reported in the literature in individuals affected with VHL-related conditions. This variant disrupts a region of the VHL protein in which other variant(s) (p.Ser183*) have been determined to be pathogenic (PMID: 8707293, 10567493, 11309459). This suggests that this is a clinically significant region of the protein, and that variants that disrupt it are likely to be disease-causing. For these reasons, this variant has been classified as Pathogenic.

Literature cited by the submitters: PubMed 8707293; PubMed 10567493; PubMed 11309459.

NM_000551.4(VHL):c.372_375del (p.His125fs)

Genes: VHL (von Hippel-Lindau tumor suppressor; plus strand), LOC107303340 (3p25 von Hippel-Lindau tumor suppressor, E3 ubiquitin protein ligase Alu-mediated recombination region; plus strand). Cytogenetic location: 3p25.3.
Variant type: Microsatellite.
Coding change: c.372_375del on transcript NM_000551.4 (MANE Select); coding-DNA positions 372 to 375, 4 bases deleted (ACAC; older notation c.372_375delACAC).
Protein change: p.His125fs; shifts the reading frame from histidine 125.
Molecular consequence: frameshift variant. On other transcripts: non-coding transcript variant (1), intron variant (2).
Genome position (GRCh38, 1-based): chr3:10,146,545-10,146,548, ACAC deleted; deleting any 4 consecutive bases within chr3:10,146,543-10,146,548 gives the same sequence; the c. name uses the placement nearest the transcript's 3' end. VCF-style (leftmost placement, unchanged base first): chr3-10146542-GACAC-G. GRCh37 (hg19) VCF-style: chr3-10188226-GACAC-G.
Other names: c.*18-3242_*18-3239del (NM_001354723.2); c.341-3242_341-3239del (NM_198156.3); short protein forms H125fs.
Identifiers: ClinVar variation 2921844 (VCV002921844.3), dbSNP rs869025644, ClinGen allele CA2740090894.